The following is an entry in ClinVar:

NM_001009944.3(PKD1):c.3729G>T (p.Trp1243Cys)

Gene: PKD1 (polycystin 1, transient receptor potential channel interacting; minus strand). Cytogenetic location: 16p13.3.
Variant type: single nucleotide variant.
Coding change: c.3729G>T on transcript NM_001009944.3 (MANE Select); coding-DNA position 3729, G replaced by T.
Protein change: p.Trp1243Cys; replaces tryptophan 1243 with cysteine.
Molecular consequence: missense variant.
Genome position (GRCh38, 1-based): chr16:2,111,438, C>A on the plus strand (G>T on the coding strand, the complement: PKD1 is on the minus strand). VCF-style: chr16-2111438-C-A. GRCh37 (hg19) VCF-style: chr16-2161439-C-A.
Other names: c.3729G>T, p.Trp1243Cys (NM_000296.4); short protein forms W1243C.
Identifiers: ClinVar variation 2635481 (VCV002635481.1), dbSNP rs2092501936, ClinGen allele CA394382479.

ClinVar aggregate classification (germline): Uncertain significance (1 of 4 stars; one submission).

Conditions:
PKD1-related disorder. Also called: PKD1-related condition.

Submission:

PreventionGenetics, part of Exact Sciences
Classification: Uncertain significance for PKD1-related condition. Last evaluated: 2022-11-25. Review status: criteria provided, single submitter. Criteria: ACMG Guidelines, 2015. Collection method: clinical testing. Allele origin: germline.
Comment: The PKD1 c.3729G>T variant is predicted to result in the amino acid substitution p.Trp1243Cys. This variant has been reported in an individual with polycystic kidney disease (p.W1243C at Supplemental Table 2 of Heyer et al. 2016. PubMed ID: 26823553). This variant is absent in a large population database, indicating this variant is rare. At this time, the clinical significance of this variant is uncertain due to the absence of conclusive functional and genetic evidence.